The following is an entry in ClinVar:

ClinVar aggregate classification (germline): Uncertain significance. Review status: criteria provided, multiple submitters, no conflicts (2 of 4 stars). 2 submissions from 2 submitters: Uncertain significance (2). Last evaluated 2024-03-06.

Conditions:
Hereditary cancer-predisposing syndrome. Also called: Tumor predisposition; Hereditary Cancer Syndrome; Neoplastic Syndromes, Hereditary; Hereditary neoplastic syndrome. Identifiers: Orphanet 140162, MedGen C0027672, MeSH D009386, MONDO:0015356.

Submissions (2):

Color Diagnostics, LLC DBA Color Health
Classification: Uncertain significance for Hereditary cancer-predisposing syndrome. Last evaluated: 2024-03-06. Review status: criteria provided, single submitter. Criteria: ACMG Guidelines, 2015. Collection method: clinical testing. Allele origin: germline.
Comment: This missense variant replaces glutamine with leucine at codon 1020 of the PALB2 protein. Computational prediction suggests that this variant may not impact protein structure and function (internally defined REVEL score threshold <= 0.5, PMID: 27666373). To our knowledge, functional studies have not been reported for this variant. This variant has not been reported in individuals affected with hereditary cancer in the literature. This variant has not been identified in the general population by the Genome Aggregation Database (gnomAD). The available evidence is insufficient to determine the role of this variant in disease conclusively. Therefore, this variant is classified as a Variant of Uncertain Significance.

Ambry Genetics
Classification: Uncertain significance for Hereditary cancer-predisposing syndrome. Last evaluated: 2020-03-18. Review status: criteria provided, single submitter. Criteria: Ambry Variant Classification Scheme 2023. Collection method: clinical testing. Allele origin: germline.
Comment: The p.Q1020L variant (also known as c.3059A>T), located in coding exon 10 of the PALB2 gene, results from an A to T substitution at nucleotide position 3059. The glutamine at codon 1020 is replaced by leucine, an amino acid with dissimilar properties. This amino acid position is well conserved in available vertebrate species. In addition, this alteration is predicted to be tolerated by in silico analysis. Since supporting evidence is limited at this time, the clinical significance of this alteration remains unclear.

NM_024675.4(PALB2):c.3059A>T (p.Gln1020Leu)

Gene: PALB2 (partner and localizer of BRCA2; minus strand). Cytogenetic location: 16p12.2.
Variant type: single nucleotide variant.
Coding change: c.3059A>T on transcript NM_024675.4 (MANE Select); coding-DNA position 3059, A replaced by T.
Protein change: p.Gln1020Leu; replaces glutamine 1020 with leucine.
Molecular consequence: missense variant.
Genome position (GRCh38, 1-based): chr16:23,621,416, T>A on the plus strand (A>T on the coding strand, the complement: PALB2 is on the minus strand). VCF-style: chr16-23621416-T-A. GRCh37 (hg19) VCF-style: chr16-23632737-T-A.
Other names: short protein forms Q1020L.
Identifiers: ClinVar variation 1332425 (VCV001332425.5), dbSNP rs776221283, ClinGen allele CA395143005.